The following is an entry in ClinVar:

ClinVar aggregate classification (germline): Uncertain significance (1 of 4 stars; one submission).

Submission:

GeneDx
Classification: Uncertain significance. Last evaluated: 2026-05-28. Review status: criteria provided, single submitter. Criteria: GeneDx Variant Classification Process June 2021. Collection method: clinical testing. Allele origin: germline.
Comment: Not observed at significant frequency in large population cohorts (gnomAD); In-frame deletion of 1 amino acid in a non-repeat region; In silico analysis supports a deleterious effect on protein structure/function; Has not been previously published as pathogenic or benign to our knowledge; This variant is associated with the following publications: (PMID: 18034775, 20619386)

NM_005188.4(CBL):c.169_171del (p.Glu57del)

Genes: CBL (Cbl proto-oncogene; plus strand), LOC130006895 (ATAC-STARR-seq lymphoblastoid silent region 3975; plus strand). Cytogenetic location: 11q23.3.
Variant type: Deletion.
Coding change: c.169_171del on transcript NM_005188.4 (MANE Select); coding-DNA positions 169 to 171, 3 bases deleted (GAG; older notation c.169_171delGAG).
Protein change: p.Glu57del; deletes glutamic acid 57.
Genome position (GRCh38, 1-based): chr11:119,206,586-119,206,588, GAG deleted; deleting any 3 consecutive bases within chr11:119,206,585-119,206,588 gives the same sequence; the c. name uses the placement nearest the transcript's 3' end. VCF-style (leftmost placement, unchanged base first): chr11-119206584-TGGA-T. GRCh37 (hg19) VCF-style: chr11-119077294-TGGA-T.
Other names: short protein forms E57del.
Identifiers: ClinVar variation 4538706 (VCV004538706.2).